The following is an entry in ClinVar:

ClinVar aggregate classification (germline): Uncertain significance (1 of 4 stars; one submission).

Conditions:
Baller-Gerold syndrome (BGS). Also called: CRANIOSYNOSTOSIS WITH RADIAL DEFECTS. Identifiers: Orphanet 1225, MedGen C0265308, MONDO:0009039, OMIM 218600.

gnomAD v4.1: 1 of 1,592,536 alleles (0.000063%); no homozygotes.

Submission:

Labcorp Genetics (formerly Invitae), Labcorp
Classification: Uncertain significance for Baller-Gerold syndrome. Last evaluated: 2022-09-29. Review status: criteria provided, single submitter. Criteria: Invitae Variant Classification Sherloc (09022015). Collection method: clinical testing. Allele origin: germline.
Comment: This sequence change replaces arginine, which is basic and polar, with cysteine, which is neutral and slightly polar, at codon 60 of the RECQL4 protein (p.Arg60Cys). This variant is not present in population databases (gnomAD no frequency). This variant has not been reported in the literature in individuals affected with RECQL4-related conditions. Experimental studies and prediction algorithms are not available or were not evaluated, and the functional significance of this variant is currently unknown. In summary, the available evidence is currently insufficient to determine the role of this variant in disease. Therefore, it has been classified as a Variant of Uncertain Significance.

NM_004260.4(RECQL4):c.178C>T (p.Arg60Cys)

Genes: RECQL4 (RecQ like helicase 4; minus strand), LOC130001411 (ATAC-STARR-seq lymphoblastoid silent region 19699; plus strand). Cytogenetic location: 8q24.3.
Variant type: single nucleotide variant.
Coding change: c.178C>T on transcript NM_004260.4 (MANE Select); coding-DNA position 178, C replaced by T.
Protein change: p.Arg60Cys; replaces arginine 60 with cysteine.
Molecular consequence: missense variant.
Genome position (GRCh38, 1-based): chr8:144,517,449, G>A on the plus strand (C>T on the coding strand, the complement: RECQL4 is on the minus strand). VCF-style: chr8-144517449-G-A. GRCh37 (hg19) VCF-style: chr8-145742833-G-A.
Other names: c.178C>T, p.Arg60Cys (NM_001413017.1, NM_001413018.1, NM_001413019.1 and 5 more transcripts); c.-543C>T (NM_001413021.1); c.-894C>T (NM_001413022.1, NM_001413023.1, NM_001413037.1 and 2 more transcripts); c.-791C>T (NM_001413024.1, NM_001413035.1); c.-956C>T (NM_001413027.1, NM_001413030.1, NM_001413031.1 and 1 more transcripts); c.-619C>T (NM_001413028.1); c.-853C>T (NM_001413032.1); c.-798C>T (NM_001413034.1); and 1 more; short protein forms R60C.
Identifiers: ClinVar variation 2170779 (VCV002170779.4), dbSNP rs2538122378, ClinGen allele CA372692601.
Genomic context (GRCh38, chr8:144,517,449, plus strand): 5'-GGCTGGGGCGGCGGGGCCTGGGTACCTCTTCGGCCGCCGCGGGGAGCGACTCGGAGCTGC[G>A]GAGCCCGCCGCCGGCCTGGCCCGTGGTACGCTTCAGAGTGCGGTATTCCCGGTAGAGCGC-3'
Protein context (NP_004251.4, residues 50-70): RTTGQAGGGL[Arg60Cys]SSESLPAAAE